The following is an entry in ClinVar:

ClinVar aggregate classification (germline): Conflicting classifications of pathogenicity. Review status: criteria provided, conflicting classifications (1 of 4 stars). 5 submissions from 3 submitters: Uncertain significance (2); Benign (1); Likely benign (1). 1 of the submissions does not count toward it. Last evaluated 2025-04-25.

Conditions:
Inborn genetic diseases. Identifiers: MedGen C0950123, MeSH D030342.
Obesity. Also called: Obesity disorder. Identifiers: Orphanet 71529, MedGen C0028754, MeSH D009765, MONDO:0011122, HP:0001513.
INSULIN RESISTANCE, DIGENIC. Identifiers: MedGen C4016738.
PPARG-related familial partial lipodystrophy. Also called: LIPODYSTROPHY, FAMILIAL PARTIAL, ASSOCIATED WITH PPARG MUTATIONS. Identifiers: Orphanet 79083, MedGen C1720861, MONDO:0011448, OMIM 604367.
PPARG-related disorder. Also called: PPARG-related condition; PPARG-related disorders.

Allele frequency attached by ClinVar (database versions not stated): gnomAD 0.00002 and 0.00003; TOPMed 0.00005; ExAC 0.00006; gnomAD exomes 0.00009 and 0.00013; 1000 Genomes Project 30x 0.00016; 1000 Genomes Project 0.00020.
gnomAD v4.1: 192 of 1,613,840 alleles (0.012%); highest among the groups gnomAD compares: East Asian, 0.3%; 1 homozygote.

Submissions (5):

Ambry Genetics
Classification: Likely benign for Inborn genetic diseases. Last evaluated: 2025-04-25. Review status: criteria provided, single submitter. Criteria: Ambry Variant Classification Scheme 2023. Collection method: clinical testing. Allele origin: germline.

Illumina Laboratory Services, Illumina
Classification: Uncertain significance for Inherited obesity. Last evaluated: 2017-04-27. Review status: criteria provided, single submitter. Criteria: ICSL Variant Classification Criteria 13 December 2019. Collection method: clinical testing. Allele origin: germline.

Illumina Laboratory Services, Illumina
Classification: Benign for PPARG-related familial partial lipodystrophy. Last evaluated: 2017-04-27. Review status: criteria provided, single submitter. Criteria: ICSL Variant Classification Criteria 13 December 2019. Collection method: clinical testing. Allele origin: germline.
Comment: This variant was observed as part of a predisposition screen in an ostensibly healthy population. A literature search was performed for the gene, cDNA change, and amino acid change (where applicable). No publications were found based on this search. Allele frequency data from public databases was too high to be consistent with this variant causing disease. Therefore, this variant is classified as benign.

Illumina Laboratory Services, Illumina
Classification: Uncertain significance for Diabetes Mellitus, Noninsulin-Dependent, with Acanthosis Nigricans and Hypertension. Last evaluated: 2017-04-27. Review status: criteria provided, single submitter. Criteria: ICSL Variant Classification Criteria 13 December 2019. Collection method: clinical testing. Allele origin: germline.

PreventionGenetics, part of Exact Sciences
Classification: Likely benign for PPARG-related condition. Last evaluated: 2024-02-28. Review status: no assertion criteria provided. Collection method: clinical testing. Allele origin: germline. Not counted in ClinVar's aggregate classification.
Comment: This variant is classified as likely benign based on ACMG/AMP sequence variant interpretation guidelines (Richards et al. 2015 PMID: 25741868, with internal and published modifications).

NM_138711.6(PPARG):c.393T>C (p.Gly131=)

Gene: PPARG (peroxisome proliferator activated receptor gamma; plus strand). Cytogenetic location: 3p25.2.
Variant type: single nucleotide variant.
Coding change: c.393T>C on transcript NM_138711.6 (MANE Select); coding-DNA position 393, T replaced by C.
Protein change: p.Gly131=; no amino-acid change (glycine 131 retained).
Molecular consequence: synonymous variant. On other transcripts: 5 prime UTR variant (1).
Genome position (GRCh38, 1-based): chr3:12,392,616, T>C. VCF-style: chr3-12392616-T-C. GRCh37 (hg19) VCF-style: chr3-12434115-T-C.
Other names: c.393T>C, p.Gly131= (NM_001330615.4, NM_001354666.3, NM_001354667.3 and 6 more transcripts); c.483T>C, p.Gly161= (NM_001354668.2, NM_001374265.1, NM_015869.5); c.-35T>C (NM_001354669.2); c.399T>C, p.Gly133= (NM_001354670.2, NM_001374266.1).
Identifiers: ClinVar variation 901054 (VCV000901054.7), dbSNP rs201126401, ClinGen allele CA2258190.